The following is an entry in ClinVar:

NM_000090.4(COL3A1):c.4254+3A>G

Gene: COL3A1 (collagen type III alpha 1 chain; plus strand). Cytogenetic location: 2q32.2.
Variant type: single nucleotide variant.
Coding change: c.4254+3A>G on transcript NM_000090.4 (MANE Select); 3 bases into the intron after coding-DNA position 4254, A replaced by G.
Molecular consequence: intron variant.
Genome position (GRCh38, 1-based): chr2:189,010,893, A>G. VCF-style: chr2-189010893-A-G. GRCh37 (hg19) VCF-style: chr2-189875619-A-G.
Identifiers: ClinVar variation 372575 (VCV000372575.28), dbSNP rs376799861, ClinGen allele CA076519.
Genomic context (GRCh38, chr2:189,010,893, plus strand): 5'-ATTCAAGGCTGAAGGAAATAGCAAATTCACCTACACAGTTCTGGAGGATGGTTGCACGGT[A>G]GGAAACATTTTTCTCAATATAGGTCATAAAGCAGTCAGCATTTTAGTTTAATCATGCAAA-3'

ClinVar aggregate classification (germline): Conflicting classifications of pathogenicity. Review status: criteria provided, conflicting classifications (1 of 4 stars). 7 submissions from 6 submitters: Likely pathogenic (1); Uncertain significance (6). Last evaluated 2026-02-01.

Conditions:
Ehlers-Danlos syndrome, type 4 (EDSVASC). Also called: Ehlers-Danlos Syndrome Type IV; Ehlers-Danlos syndrome vascular type; Ehlers Danlos syndrome, ecchymotic type; Ehlers Danlos syndrome, arterial type; Ehlers Danlos syndrome, Sack-Barabas type. Identifiers: Orphanet 286, MedGen C0268338, MONDO:0017314, OMIM 130050.
Polymicrogyria with or without vascular-type Ehlers-Danlos syndrome. Identifiers: Orphanet 636941, MedGen C5193040, MONDO:0032688, OMIM 618343.
Familial thoracic aortic aneurysm and aortic dissection (TAAD). Also called: Thoracic aortic aneurysms and dissections. Identifiers: Orphanet 91387, MedGen C4707243, MONDO:0019625.

Allele frequency attached by ClinVar (database versions not stated): ExAC 0.00001; gnomAD 0.00001 and 0.00002; gnomAD exomes 0.00001 and 0.00002; TOPMed 0.00002; ESP Exome Variant Server 0.00015; 1000 Genomes Project 30x 0.00016; 1000 Genomes Project 0.00020.
gnomAD v4.1: 25 of 1,614,120 alleles (0.0015%); highest among the groups gnomAD compares: Admixed American, 0.0067%; no homozygotes.

Submissions (7):

Labcorp Genetics (formerly Invitae), Labcorp
Classification: Likely pathogenic for Ehlers-Danlos syndrome, type 4. Last evaluated: 2026-02-01. Review status: criteria provided, single submitter. Criteria: Invitae Variant Classification Sherloc (09022015). Collection method: clinical testing. Allele origin: germline.
Comment: This sequence change falls in intron 50 of the COL3A1 gene. It does not directly change the encoded amino acid sequence of the COL3A1 protein. It affects a nucleotide within the consensus splice site. This variant is present in population databases (rs376799861, gnomAD 0.006%). This variant has been observed in individuals with clinical features of COL3A1-related conditions (internal data). It has also been observed to segregate with disease in related individuals. ClinVar contains an entry for this variant (Variation ID: 372575). Variants that disrupt the consensus splice site are a relatively common cause of aberrant splicing (PMID: 17576681, 9536098). Algorithms developed to predict the effect of sequence changes on RNA splicing suggest that this variant may disrupt the consensus splice site. In summary, the currently available evidence indicates that the variant is pathogenic, but additional data are needed to prove that conclusively. Therefore, this variant has been classified as Likely Pathogenic.

Color Diagnostics, LLC DBA Color Health
Classification: Uncertain significance for Familial thoracic aortic aneurysm and aortic dissection. Last evaluated: 2025-07-15. Review status: criteria provided, single submitter. Criteria: ACMG Guidelines, 2015. Collection method: clinical testing. Allele origin: germline.
Comment: This variant causes an A to G nucleotide substitution at the +3 position of intron 50 of the COL3A1 gene. To our knowledge, functional studies have not been reported for this variant. This variant has not been reported in individuals affected with COL3A1-related disorders in the literature. This variant has been identified in 6/251146 chromosomes in the general population by the Genome Aggregation Database (gnomAD). The available evidence is insufficient to determine the role of this variant in disease conclusively. Therefore, this variant is classified as a Variant of Uncertain Significance.

Ambry Genetics
Classification: Uncertain significance for Familial thoracic aortic aneurysm and aortic dissection. Last evaluated: 2024-12-10. Review status: criteria provided, single submitter. Criteria: Ambry Variant Classification Scheme 2023. Collection method: clinical testing. Allele origin: germline.
Comment: The c.4254+3A>G intronic variant results from an A to G substitution 3 nucleotides after coding exon 50 in the COL3A1 gene. This variant was identified in one or more individuals with features consistent with vascular Ehlers-Danlos syndrome (EDS) and segregated with disease in at least one family (external communication). This nucleotide position is not well conserved in available vertebrate species. In silico splice site analysis for this alteration is inconclusive. Based on the available evidence, the clinical significance of this variant remains unclear.

Mayo Clinic Laboratories, Mayo Clinic
Classification: Uncertain significance. Last evaluated: 2021-06-17. Review status: criteria provided, single submitter. Criteria: ACMG Guidelines, 2015. Collection method: clinical testing. Allele origin: germline.

Center for Genomics, Ann and Robert H. Lurie Children's Hospital of Chicago
Classification: Uncertain significance for Ehlers-Danlos syndrome, type 4. Last evaluated: 2019-08-13. Review status: criteria provided, single submitter. Criteria: ACMG Guidelines, 2015. Collection method: clinical testing. Allele origin: germline.
Comment: COL3A1 NM_000090.3 exon 50 c.4254+3A>G: This variant has not been reported in the literature but is present in 0.005% (2/34588) of Latino alleles in the Genome Aggregation Database. This variant is present in ClinVar (Variation ID:372575). Evolutionary conservation and computational predictive tools for this variant are limited or unavailable. This variant is an intronic variant with no predicted change in the amino acid sequence, but splice prediction tools suggest that this variant may affect splicing. However, further studies are needed to understand its impact. In summary, data on this variant is insufficient for disease classification. Therefore, the clinical significance of this variant is uncertain.

GeneDx
Classification: Uncertain significance. Last evaluated: 2016-12-12. Review status: criteria provided, single submitter. Criteria: GeneDx Variant Classification (06012015). Collection method: clinical testing. Allele origin: germline. Affected: yes.
Comment: The c.4254+3A>G variant in the COL3A1 gene has not been reported previously as a pathogenic variant nor as a benign variant, to our knowledge. This variant is predicted to damage or destroy the splice donor site in intron 50, and may cause abnormal gene splicing. However, in the absence of RNA/functional studies, the actual effect of this sequence change in this individual is unknown. The c.4254+3A>G variant was not observed at any significant frequency in approximately 6500 individuals of European and African American ancestry in the NHLBI Exome Sequencing Project, indicating it is not a common benign variant in these populations. We interpret c.4254+3A>G as a variant of uncertain significance.

Center for Genomics, Ann and Robert H. Lurie Children's Hospital of Chicago
Classification: Uncertain significance for Ehlers-Danlos syndrome, type 4; Polymicrogyria with or without vascular-type Ehlers-Danlos syndrome. Review status: criteria provided, single submitter. Criteria: ACMG Guidelines, 2015. Collection method: clinical testing. Allele origin: germline.
Comment: the same text as in the submission from Center for Genomics, Ann and Robert H. Lurie Children's Hospital of Chicago above.

Literature cited by the submitters: PubMed 17576681 (cited by Labcorp Genetics (formerly Invitae), Labcorp); PubMed 9536098 (cited by Labcorp Genetics (formerly Invitae), Labcorp).